The following is an entry in ClinVar:

NM_002206.3(ITGA7):c.2007T>C (p.Asp669=)

Genes: ITGA7 (integrin subunit alpha 7; minus strand), LOC126861535 (CDK7 strongly-dependent group 2 enhancer GRCh37_chr12:56087579-56088778; plus strand). Cytogenetic location: 12q13.2.
Variant type: single nucleotide variant.
Coding change: c.2007T>C on transcript NM_002206.3 (MANE Select); coding-DNA position 2007, T replaced by C.
Protein change: p.Asp669=; no amino-acid change (aspartic acid 669 retained).
Molecular consequence: synonymous variant. On other transcripts: intron variant (1).
Genome position (GRCh38, 1-based): chr12:55,694,967, A>G on the plus strand (T>C on the coding strand, the complement: ITGA7 is on the minus strand). VCF-style: chr12-55694967-A-G. GRCh37 (hg19) VCF-style: chr12-56088751-A-G.
Other names: c.2019T>C, p.Asp673= (NM_001144996.2); c.1728T>C, p.Asp576= (NM_001144997.2); c.1680T>C, p.Asp560= (NM_001367993.1); c.663T>C, p.Asp221= (NM_001367994.1); c.1989T>C, p.Asp663= (NM_001374465.1); c.2139T>C, p.Asp713= (NM_001410977.1); c.2001T>C, p.Asp667= (NM_001414029.1); c.1932T>C, p.Asp644= (NM_001414030.1); and 5 more.
Identifiers: ClinVar variation 388582 (VCV000388582.1), dbSNP rs1057523162, ClinGen allele CA16606578.

ClinVar aggregate classification (germline): Likely benign (1 of 4 stars; one submission).

gnomAD v4.1: 1 of 1,613,050 alleles (0.000062%); highest among the groups gnomAD compares: Non-Finnish European, 0.000085%; no homozygotes.

Submission:

GeneDx
Classification: Likely benign. Last evaluated: 2016-08-23. Review status: criteria provided, single submitter. Criteria: GeneDx Variant Classification (06012015). Collection method: clinical testing. Allele origin: germline. Affected: yes.
Comment: This variant is considered likely benign or benign based on one or more of the following criteria: it is a conservative change, it occurs at a poorly conserved position in the protein, it is predicted to be benign by multiple in silico algorithms, and/or has population frequency not consistent with disease.